The following is an entry in ClinVar:

ClinVar aggregate classification (germline): Pathogenic (1 of 4 stars; one submission).

Submission:

Labcorp Genetics (formerly Invitae), Labcorp
Classification: Pathogenic. Last evaluated: 2023-11-27. Review status: criteria provided, single submitter. Criteria: Invitae Variant Classification Sherloc (09022015). Collection method: clinical testing. Allele origin: germline.
Comment: A gross deletion of the genomic region encompassing the full coding sequence of the FLVCR1 gene has been identified. Loss-of-function variants in FLVCR1 are known to be pathogenic (PMID: 23591405, 27923065). The boundaries of this event are unknown as they extend beyond the assayed region for this gene and therefore may encompass additional genes. A similar copy number variant has been observed in individual(s) with clinical features of retinitis pigmentosa (Invitae). For these reasons, this variant has been classified as Pathogenic.

Literature cited by the submitters: PubMed 23591405; PubMed 27923065.

NC_000001.11:g.(?_212782372)_(212951818_?)del

Genes: VASH2 (vasohibin 2; plus strand), NSL1 (NSL1 component of MIS12 kinetochore complex; minus strand), FLVCR1 (FLVCR choline and heme transporter 1; plus strand), FLVCR1-DT (FLVCR1 divergent transcript; minus strand), SPATA45 (spermatogenesis associated 45; minus strand) and 1 more. Cytogenetic location: 1q32.3.
Variant type: Deletion.
Identifiers: ClinVar variation 832455 (VCV000832455.8).